The following is an entry in ClinVar:

ClinVar aggregate classification (germline): Uncertain significance. Review status: criteria provided, multiple submitters, no conflicts (2 of 4 stars). 3 submissions from 3 submitters: Uncertain significance (3). Last evaluated 2024-02-16.

Allele frequency attached by ClinVar (database versions not stated): ExAC below 0.00001; gnomAD 0.00002; TOPMed 0.00002; gnomAD exomes 0.00003.
gnomAD v4.1: 43 of 1,613,860 alleles (0.0027%); highest among the groups gnomAD compares: Non-Finnish European, 0.0035%; no homozygotes.

Submissions (3):

Labcorp Genetics (formerly Invitae), Labcorp
Classification: Uncertain significance. Last evaluated: 2024-02-16. Review status: criteria provided, single submitter. Criteria: Invitae Variant Classification Sherloc (09022015). Collection method: clinical testing. Allele origin: germline.
Comment: This sequence change replaces leucine, which is neutral and non-polar, with glutamine, which is neutral and polar, at codon 584 of the KIF22 protein (p.Leu584Gln). This variant is present in population databases (rs755847991, gnomAD 0.0008%). This variant has not been reported in the literature in individuals affected with KIF22-related conditions. ClinVar contains an entry for this variant (Variation ID: 194082). An algorithm developed to predict the effect of missense changes on protein structure and function (PolyPhen-2) suggests that this variant is likely to be tolerated. In summary, the available evidence is currently insufficient to determine the role of this variant in disease. Therefore, it has been classified as a Variant of Uncertain Significance.

Blueprint Genetics
Classification: Uncertain significance. Last evaluated: 2019-08-08. Review status: criteria provided, single submitter. Criteria: ACMG Guidelines, 2015. Collection method: clinical testing. Allele origin: germline.

Eurofins Ntd Llc (ga)
Classification: Uncertain significance. Last evaluated: 2015-02-11. Review status: criteria provided, single submitter. Criteria: EGL Classification Definitions 2015. Collection method: clinical testing. Allele origin: germline. Observed: 1 variant allele, 1 heterozygote.

NM_007317.3(KIF22):c.1751T>A (p.Leu584Gln)

Gene: KIF22 (kinesin family member 22; plus strand). Cytogenetic location: 16p11.2.
Variant type: single nucleotide variant.
Coding change: c.1751T>A on transcript NM_007317.3 (MANE Select); coding-DNA position 1751, T replaced by A.
Protein change: p.Leu584Gln; replaces leucine 584 with glutamine.
Molecular consequence: missense variant.
Genome position (GRCh38, 1-based): chr16:29,804,887, T>A. VCF-style: chr16-29804887-T-A. GRCh37 (hg19) VCF-style: chr16-29816208-T-A.
Other names: c.1547T>A, p.Leu516Gln (NM_001256269.2, NM_001256270.1); short protein forms L584Q, L516Q.
Identifiers: ClinVar variation 194082 (VCV000194082.8), dbSNP rs755847991, ClinGen allele CA239884.
Genomic context (GRCh38, chr16:29,804,887, plus strand): 5'-ATGCCCTAGAGCCTGAGGAGAAGGCTGAGGACTGCTGGGAGCTACAGATCAGCCCGGAGC[T>A]ACTGGCTCATGGGCGCCAAAAAATACTGGATCTGCTGAACGAAGGCTCAGCCCGAGATCT-3'
Protein context (NP_015556.1, residues 574-594): DCWELQISPE[Leu584Gln]LAHGRQKILD